The following is an entry in ClinVar:

NM_001985.3(ETFB):c.519G>C (p.Leu173=)

Gene: ETFB (electron transfer flavoprotein subunit beta; minus strand). Cytogenetic location: 19q13.41.
Variant type: single nucleotide variant.
Coding change: c.519G>C on transcript NM_001985.3 (MANE Select); coding-DNA position 519, G replaced by C.
Protein change: p.Leu173=; no amino-acid change (leucine 173 retained).
Molecular consequence: synonymous variant.
Genome position (GRCh38, 1-based): chr19:51,346,978, C>G on the plus strand (G>C on the coding strand, the complement: ETFB is on the minus strand). VCF-style: chr19-51346978-C-G. GRCh37 (hg19) VCF-style: chr19-51850232-C-G.
Other names: c.792G>C, p.Leu264= (NM_001014763.1).
Identifiers: ClinVar variation 377834 (VCV000377834.10), dbSNP rs933129897, ClinGen allele CA16607940.

ClinVar aggregate classification (germline): Likely benign. Review status: criteria provided, multiple submitters, no conflicts (2 of 4 stars). 3 submissions from 3 submitters: Likely benign (3). Last evaluated 2025-06-15.

Conditions:
Multiple acyl-CoA dehydrogenase deficiency (MADD). Also called: ETHYLMALONIC-ADIPICACIDURIA; GA II; Glutaric aciduria, type 2; Glutaric acidemia type II; GA 2; Glutaric Acidemia type 2. Identifiers: Orphanet 26791, MedGen C0268596, MONDO:0009282, OMIM 231680.

Allele frequency attached by ClinVar (database versions not stated): TOPMed below 0.00001; gnomAD 0.00001; gnomAD exomes 0.00001.
gnomAD v4.1: 16 of 1,609,954 alleles (0.00099%); highest among the groups gnomAD compares: Middle Eastern, 0.033%; 1 homozygote.

Submissions (3):

Labcorp Genetics (formerly Invitae), Labcorp
Classification: Likely benign for Multiple acyl-CoA dehydrogenase deficiency. Last evaluated: 2025-06-15. Review status: criteria provided, single submitter. Criteria: Invitae Variant Classification Sherloc (09022015). Collection method: clinical testing. Allele origin: germline.

Blueprint Genetics
Classification: Likely benign. Last evaluated: 2019-11-13. Review status: criteria provided, single submitter. Criteria: ACMG Guidelines, 2015. Collection method: clinical testing. Allele origin: germline.

GeneDx
Classification: Likely benign. Last evaluated: 2016-10-27. Review status: criteria provided, single submitter. Criteria: GeneDx Variant Classification (06012015). Collection method: clinical testing. Allele origin: germline. Affected: yes.
Comment: This variant is considered likely benign or benign based on one or more of the following criteria: it is a conservative change, it occurs at a poorly conserved position in the protein, it is predicted to be benign by multiple in silico algorithms, and/or has population frequency not consistent with disease.